The following is an entry in ClinVar:

NM_000257.4(MYH7):c.2741A>T (p.Gln914Leu)

Gene: MYH7 (myosin heavy chain 7; minus strand). Cytogenetic location: 14q11.2.
Variant type: single nucleotide variant.
Coding change: c.2741A>T on transcript NM_000257.4 (MANE Select); coding-DNA position 2741, A replaced by T.
Protein change: p.Gln914Leu; replaces glutamine 914 with leucine.
Molecular consequence: missense variant.
Genome position (GRCh38, 1-based): chr14:23,424,088, T>A on the plus strand (A>T on the coding strand, the complement: MYH7 is on the minus strand). VCF-style: chr14-23424088-T-A. GRCh37 (hg19) VCF-style: chr14-23893297-T-A.
Other names: short protein forms Q914L.
Identifiers: ClinVar variation 1379156 (VCV001379156.8), dbSNP rs1412226831, ClinGen allele CA389047209.

ClinVar aggregate classification (germline): Uncertain significance (1 of 4 stars; one submission).

Conditions:
Hypertrophic cardiomyopathy. Also called: HYPERTROPHIC MYOCARDIOPATHY. Identifiers: Orphanet 217569, MedGen C0007194, MeSH D002312, MONDO:0005045, HP:0001639.

Submission:

Labcorp Genetics (formerly Invitae), Labcorp
Classification: Uncertain significance for Hypertrophic cardiomyopathy. Last evaluated: 2021-03-15. Review status: criteria provided, single submitter. Criteria: Invitae Variant Classification Sherloc (09022015). Collection method: clinical testing. Allele origin: germline.
Comment: In summary, the available evidence is currently insufficient to determine the role of this variant in disease. Therefore, it has been classified as a Variant of Uncertain Significance. This variant is found within a region of MYH7 between codons 181 and 937 that contains the majority of the myosin head domain. Missense variants in this region have been shown to be significantly overrepresented in individuals with hypertrophic cardiomyopathy (PMID: 27532257). Algorithms developed to predict the effect of missense changes on protein structure and function (SIFT, PolyPhen-2, Align-GVGD) all suggest that this variant is likely to be disruptive, but these predictions have not been confirmed by published functional studies and their clinical significance is uncertain. This variant has not been reported in the literature in individuals with MYH7-related conditions. This variant is not present in population databases (ExAC no frequency). This sequence change replaces glutamine with leucine at codon 914 of the MYH7 protein (p.Gln914Leu). The glutamine residue is highly conserved and there is a moderate physicochemical difference between glutamine and leucine.

Literature cited by the submitters: PubMed 27532257.